The following is an entry in ClinVar:

NM_052867.4(NALCN):c.5087T>C (p.Met1696Thr)

Genes: NALCN (sodium leak channel, non-selective; minus strand), NALCN-AS1 (NALCN antisense RNA 1; plus strand). Cytogenetic location: 13q32.3.
Variant type: single nucleotide variant.
Coding change: c.5087T>C on transcript NM_052867.4 (MANE Select); coding-DNA position 5087, T replaced by C.
Protein change: p.Met1696Thr; replaces methionine 1696 with threonine.
Molecular consequence: missense variant. On other transcripts: non-coding transcript variant (1).
Genome position (GRCh38, 1-based): chr13:101,055,425, A>G on the plus strand (T>C on the coding strand, the complement: NALCN is on the minus strand). VCF-style: chr13-101055425-A-G. GRCh37 (hg19) VCF-style: chr13-101707777-A-G.
Other names: c.5174T>C, p.Met1725Thr (NM_001350748.2); c.5087T>C, p.Met1696Thr (NM_001350749.2); c.5000T>C, p.Met1667Thr (NM_001350750.2, NM_001350751.2); short protein forms M1667T, M1696T, M1725T.
Identifiers: ClinVar variation 1723722 (VCV001723722.9), dbSNP rs758520457, ClinGen allele CA7034917.

ClinVar aggregate classification (germline): Uncertain significance. Review status: criteria provided, multiple submitters, no conflicts (2 of 4 stars). 3 submissions from 3 submitters: Uncertain significance (3). Last evaluated 2025-09-21.

Allele frequency attached by ClinVar (database versions not stated): gnomAD 0.00001; gnomAD exomes 0.00001; ExAC 0.00002; TOPMed 0.00003.

Submissions (3):

Labcorp Genetics (formerly Invitae), Labcorp
Classification: Uncertain significance. Last evaluated: 2025-09-21. Review status: criteria provided, single submitter. Criteria: Invitae Variant Classification Sherloc (09022015). Collection method: clinical testing. Allele origin: germline.
Comment: This sequence change replaces methionine, which is neutral and non-polar, with threonine, which is neutral and polar, at codon 1696 of the NALCN protein (p.Met1696Thr). This variant is present in population databases (rs758520457, gnomAD 0.02%). This variant has not been reported in the literature in individuals affected with NALCN-related conditions. ClinVar contains an entry for this variant (Variation ID: 1723722). Invitae Evidence Modeling of protein sequence and biophysical properties (such as structural, functional, and spatial information, amino acid conservation, physicochemical variation, residue mobility, and thermodynamic stability) indicates that this missense variant is not expected to disrupt NALCN protein function with a negative predictive value of 80%. In summary, the available evidence is currently insufficient to determine the role of this variant in disease. Therefore, it has been classified as a Variant of Uncertain Significance.

GeneDx
Classification: Uncertain significance. Last evaluated: 2025-09-06. Review status: criteria provided, single submitter. Criteria: GeneDx Variant Classification Process June 2021. Collection method: clinical testing. Allele origin: germline. Affected: yes.
Comment: In silico analysis suggests that this missense variant does not alter protein structure/function; Has not been previously published as pathogenic or benign to our knowledge

Women's Health and Genetics/Laboratory Corporation of America, LabCorp
Classification: Uncertain significance. Last evaluated: 2023-12-19. Review status: criteria provided, single submitter. Criteria: LabCorp Variant Classification Summary - May 2015. Collection method: clinical testing. Allele origin: germline.
Comment: Variant summary: NALCN c.5087T>C (p.Met1696Thr) results in a non-conservative amino acid change in the encoded protein sequence. Three of five in-silico tools predict a damaging effect of the variant on protein function. The variant allele was found at a frequency of 2.8e-05 in 251462 control chromosomes (gnomAD). The available data on variant occurrences in the general population are insufficient to allow any conclusion about variant significance. To our knowledge, no occurrence of c.5087T>C in individuals affected with Congenital Contractures Of The Limbs And Face, Hypotonia, And Developmental Delay and no experimental evidence demonstrating its impact on protein function have been reported. Two submitters have cited clinical-significance assessments for this variant to ClinVar after 2014. All submitters classified the variant as uncertain significance. Based on the evidence outlined above, the variant was classified as uncertain significance.